The following is an entry in ClinVar:

NM_002667.5(PLN):c.87G>T (p.Gln29His)

Genes: CEP85L (centrosomal protein 85 like; minus strand), PLN (phospholamban; plus strand). Cytogenetic location: 6q22.31.
Variant type: single nucleotide variant.
Coding change: c.87G>T on transcript NM_002667.5 (MANE Select); coding-DNA position 87, G replaced by T.
Protein change: p.Gln29His; replaces glutamine 29 with histidine.
Molecular consequence: missense variant. On other transcripts: intron variant (3).
Genome position (GRCh38, 1-based): chr6:118,559,008, G>T. VCF-style: chr6-118559008-G-T. GRCh37 (hg19) VCF-style: chr6-118880171-G-T.
Other names: c.1029+6521C>A (NM_001178035.2); c.1020+6521C>A (NM_001042475.3, NM_206921.3); short protein forms Q29H.
Identifiers: ClinVar variation 2586350 (VCV002586350.2), dbSNP rs1779072179, ClinGen allele CA365546367.

ClinVar aggregate classification (germline): Uncertain significance (1 of 4 stars; one submission).

Conditions:
Cardiovascular phenotype. Identifiers: MedGen CN230736.

Allele frequency attached by ClinVar (database versions not stated): TOPMed 0.00001.
gnomAD v4.1: 2 of 1,610,204 alleles (0.00012%); highest among the groups gnomAD compares: Non-Finnish European, 0.00017%; no homozygotes.

Submission:

Ambry Genetics
Classification: Uncertain significance for Cardiovascular phenotype. Last evaluated: 2023-08-11. Review status: criteria provided, single submitter. Criteria: Ambry Variant Classification Scheme 2023. Collection method: clinical testing. Allele origin: germline.
Comment: The p.Q29H variant (also known as c.87G>T), located in coding exon 1 of the PLN gene, results from a G to T substitution at nucleotide position 87. The glutamine at codon 29 is replaced by histidine, an amino acid with highly similar properties. This amino acid position is conserved. In addition, this alteration is predicted to be deleterious by in silico analysis. Since supporting evidence is limited at this time, the clinical significance of this alteration remains unclear.